The following is an entry in ClinVar:

ClinVar aggregate classification (germline): Uncertain significance (1 of 4 stars; one submission).

Conditions:
Isolated microphthalmia 5. Also called: Posterior Microphthalmia with Retinitis Pigmentosa, Foveoschisis, and Optic Disc Drusen. Identifiers: Orphanet 251279, MedGen C1970236, MONDO:0012605, OMIM 611040.

Allele frequency attached by ClinVar (database versions not stated): gnomAD exomes below 0.00001; TOPMed below 0.00001; gnomAD 0.00001.
gnomAD v4.1: 7 of 1,610,456 alleles (0.00043%); highest among the groups gnomAD compares: East Asian, 0.0067%; no homozygotes.

Submission:

Labcorp Genetics (formerly Invitae), Labcorp
Classification: Uncertain significance for Isolated microphthalmia 5. Last evaluated: 2020-12-17. Review status: criteria provided, single submitter. Criteria: Invitae Variant Classification Sherloc (09022015). Collection method: clinical testing. Allele origin: germline.
Comment: In summary, the available evidence is currently insufficient to determine the role of this variant in disease. Therefore, it has been classified as a Variant of Uncertain Significance. Algorithms developed to predict the effect of missense changes on protein structure and function output the following: SIFT: "Tolerated"; PolyPhen-2: "Benign"; Align-GVGD: "Class C0". The alanine amino acid residue is found in multiple mammalian species, suggesting that this missense change does not adversely affect protein function. These predictions have not been confirmed by published functional studies and their clinical significance is uncertain. This variant has not been reported in the literature in individuals with MFRP-related conditions. This variant is not present in population databases (ExAC no frequency). This sequence change replaces valine with alanine at codon 234 of the MFRP protein (p.Val234Ala). The valine residue is weakly conserved and there is a small physicochemical difference between valine and alanine.

NM_031433.4(MFRP):c.701T>C (p.Val234Ala)

Genes: C1QTNF5 (C1q and TNF related 5; minus strand), MFRP (membrane frizzled-related protein; minus strand). Cytogenetic location: 11q23.3.
Variant type: single nucleotide variant.
Coding change: c.701T>C on transcript NM_031433.4 (MANE Select); coding-DNA position 701, T replaced by C.
Protein change: p.Val234Ala; replaces valine 234 with alanine.
Molecular consequence: missense variant. On other transcripts: 5 prime UTR variant (1).
Genome position (GRCh38, 1-based): chr11:119,344,945, A>G on the plus strand (T>C on the coding strand, the complement: MFRP is on the minus strand). VCF-style: chr11-119344945-A-G. GRCh37 (hg19) VCF-style: chr11-119215655-A-G.
Other names: c.-1936T>C (NM_015645.5); short protein forms V234A.
Identifiers: ClinVar variation 1429057 (VCV001429057.8), dbSNP rs930932926, ClinGen allele CA229677640.